The following is an entry in ClinVar:

NM_000303.3(PMM2):c.598G>A (p.Gly200Ser)

Gene: PMM2 (phosphomannomutase 2; plus strand). Cytogenetic location: 16p13.2.
Variant type: single nucleotide variant.
Coding change: c.598G>A on transcript NM_000303.3 (MANE Select); coding-DNA position 598, G replaced by A.
Protein change: p.Gly200Ser; replaces glycine 200 with serine.
Molecular consequence: missense variant.
Genome position (GRCh38, 1-based): chr16:8,813,065, G>A. VCF-style: chr16-8813065-G-A. GRCh37 (hg19) VCF-style: chr16-8906922-G-A.
Other names: c.598G>A (NM_000303.2); short protein forms G200S.
Identifiers: ClinVar variation 2049990 (VCV002049990.3), dbSNP rs766754337, ClinGen allele CA7894146.

ClinVar aggregate classification (germline): Uncertain significance. Review status: criteria provided, multiple submitters, no conflicts (2 of 4 stars). 2 submissions from 2 submitters: Uncertain significance (2). Last evaluated 2024-05-13.

Conditions:
PMM2-congenital disorder of glycosylation. Also called: Congenital disorder of glycosylation, type Ia; CARBOHYDRATE-DEFICIENT GLYCOPROTEIN SYNDROME, TYPE Ia; PMM2-CDG; CDG Ia; JAEKEN SYNDROME; PHOSPHOMANNOMUTASE 2 DEFICIENCY. Identifiers: Orphanet 79318, MedGen C0349653, MONDO:0008907, OMIM 212065.
Inborn genetic diseases. Identifiers: MedGen C0950123, MeSH D030342.

Allele frequency attached by ClinVar (database versions not stated): gnomAD 0.00001; ExAC 0.00003.

Submissions (2):

Labcorp Genetics (formerly Invitae), Labcorp
Classification: Uncertain significance for PMM2-congenital disorder of glycosylation. Last evaluated: 2024-05-13. Review status: criteria provided, single submitter. Criteria: Invitae Variant Classification Sherloc (09022015). Collection method: clinical testing. Allele origin: germline.
Comment: This sequence change replaces glycine, which is neutral and non-polar, with serine, which is neutral and polar, at codon 200 of the PMM2 protein (p.Gly200Ser). This variant is present in population databases (rs766754337, gnomAD 0.006%). This variant has not been reported in the literature in individuals affected with PMM2-related conditions. ClinVar contains an entry for this variant (Variation ID: 2049990). Advanced modeling of protein sequence and biophysical properties (such as structural, functional, and spatial information, amino acid conservation, physicochemical variation, residue mobility, and thermodynamic stability) performed at Invitae indicates that this missense variant is expected to disrupt PMM2 protein function with a positive predictive value of 95%. In summary, the available evidence is currently insufficient to determine the role of this variant in disease. Therefore, it has been classified as a Variant of Uncertain Significance.

Ambry Genetics
Classification: Uncertain significance for Inborn genetic diseases. Last evaluated: 2024-03-25. Review status: criteria provided, single submitter. Criteria: Ambry Variant Classification Scheme 2023. Collection method: clinical testing. Allele origin: germline.